The following is an entry in ClinVar:

ClinVar aggregate classification (germline): Likely benign (1 of 4 stars; one submission).

Allele frequency attached by ClinVar (database versions not stated): TOPMed below 0.00001; gnomAD exomes 0.00001.
gnomAD v4.1: 11 of 1,613,344 alleles (0.00068%); highest among the groups gnomAD compares: Non-Finnish European, 0.00093%; no homozygotes.

Submission:

GeneDx
Classification: Likely benign. Last evaluated: 2018-01-02. Review status: criteria provided, single submitter. Criteria: GeneDx Variant Classification (06012015). Collection method: clinical testing. Allele origin: germline. Affected: yes.
Comment: This variant is considered likely benign or benign based on one or more of the following criteria: it is a conservative change, it occurs at a poorly conserved position in the protein, it is predicted to be benign by multiple in silico algorithms, and/or has population frequency not consistent with disease.

NM_017433.5(MYO3A):c.3174G>A (p.Lys1058=)

Gene: MYO3A (myosin IIIA; plus strand). Cytogenetic location: 10p12.1.
Variant type: single nucleotide variant.
Coding change: c.3174G>A on transcript NM_017433.5 (MANE Select); coding-DNA position 3174, G replaced by A.
Protein change: p.Lys1058=; no amino-acid change (lysine 1058 retained).
Molecular consequence: synonymous variant.
Genome position (GRCh38, 1-based): chr10:26,168,774, G>A. VCF-style: chr10-26168774-G-A. GRCh37 (hg19) VCF-style: chr10-26457703-G-A.
Identifiers: ClinVar variation 513898 (VCV000513898.1), dbSNP rs1172704227, ClinGen allele CA468480507.